The following is an entry in ClinVar:

NM_170606.3(KMT2C):c.4442G>A (p.Arg1481Gln)

Gene: KMT2C (lysine methyltransferase 2C; minus strand). Cytogenetic location: 7q36.1.
Variant type: single nucleotide variant.
Coding change: c.4442G>A on transcript NM_170606.3 (MANE Select); coding-DNA position 4442, G replaced by A.
Protein change: p.Arg1481Gln; replaces arginine 1481 with glutamine.
Molecular consequence: missense variant.
Genome position (GRCh38, 1-based): chr7:152,194,505, C>T on the plus strand (G>A on the coding strand, the complement: KMT2C is on the minus strand). VCF-style: chr7-152194505-C-T. GRCh37 (hg19) VCF-style: chr7-151891590-C-T.
Other names: short protein forms R1481Q.
Identifiers: ClinVar variation 134749 (VCV000134749.2), dbSNP rs587778490, ClinGen allele CA160669.

ClinVar aggregate classification (germline): Likely benign. Review status: criteria provided, single submitter (1 of 4 stars). 2 submissions from 2 submitters: Likely benign (1). 1 of the submissions does not count toward it. Last evaluated 2021-07-12.

Allele frequency attached by ClinVar (database versions not stated): ExAC 0.00002; TOPMed 0.00003; gnomAD 0.00005 and 0.00006; gnomAD exomes 0.00001.
gnomAD v4.1: 24 of 1,612,412 alleles (0.0015%); highest among the groups gnomAD compares: African/African-American, 0.013%; no homozygotes.

Submissions (2):

Blueprint Genetics
Classification: Likely benign. Last evaluated: 2021-07-12. Review status: criteria provided, single submitter. Criteria: ACMG Guidelines, 2015. Collection method: clinical testing. Allele origin: germline.

ITMI
No classification provided. Condition: AllHighlyPenetrant. Last evaluated: 2013-09-19. Review status: no classification provided. Collection method: reference population. Allele origin: germline. Not counted in ClinVar's aggregate classification.
Comment: Please see associated publication for description of ethnicities

Literature cited by the submitters: PubMed 24728327 (cited by ITMI).